The following is an entry in ClinVar:

ClinVar aggregate classification (germline): Likely benign (1 of 4 stars; one submission).

Submission:

Mayo Clinic Laboratories, Mayo Clinic
Classification: Likely benign. Last evaluated: 2024-11-08. Review status: criteria provided, single submitter. Criteria: ACMG Guidelines, 2015. Collection method: clinical testing. Allele origin: germline. Observed: 1 variant allele.
Comment: PM2_supporting

NM_000392.5(ABCC2):c.2440-28_2440-24delinsCCCATATGGTGG

Gene: ABCC2 (ATP binding cassette subfamily C member 2; plus strand). Cytogenetic location: 10q24.2.
Variant type: Indel.
Coding change: c.2440-28_2440-24delinsCCCATATGGTGG on transcript NM_000392.5 (MANE Select); 28 bases into the intron before coding-DNA position 2440 through 24 bases into the intron before coding-DNA position 2440, TCAAC replaced by CCCATATGGTGG.
Molecular consequence: intron variant.
Genome position (GRCh38, 1-based): chr10:99,819,061-99,819,065, TCAAC replaced by CCCATATGGTGG. VCF-style: chr10-99819061-TCAAC-CCCATATGGTGG. GRCh37 (hg19) VCF-style: chr10-101578818-TCAAC-CCCATATGGTGG.
Other names: p.?.
Identifiers: ClinVar variation 4683530 (VCV004683530.1).